The following is an entry in ClinVar:

ClinVar aggregate classification (germline): Conflicting classifications of pathogenicity. Review status: criteria provided, conflicting classifications (1 of 4 stars). 4 submissions from 4 submitters: Uncertain significance (2); Likely benign (1). 1 of the submissions does not count toward it. Last evaluated 2024-05-31.

Conditions:
TTN-related disorder. Also called: TTN-related condition; TTN-related disease; TTN-related disorders.
Dilated cardiomyopathy 1G (CMD1G). Identifiers: Orphanet 154, MedGen C1858763, MONDO:0011400, OMIM 604145.
Autosomal recessive limb-girdle muscular dystrophy type 2J (LGMDR10). Also called: Limb-girdle muscular dystrophy, type 2J; MUSCULAR DYSTROPHY, LIMB-GIRDLE, AUTOSOMAL RECESSIVE 10. Identifiers: Orphanet 140922, MedGen C1837342, MONDO:0012127, OMIM 608807.

Allele frequency attached by ClinVar (database versions not stated): gnomAD exomes 0.00002; TOPMed 0.00002; ExAC 0.00005; gnomAD 0.00006; 1000 Genomes Project 30x 0.00031; 1000 Genomes Project 0.00040.
gnomAD v4.1: 36 of 1,605,128 alleles (0.0022%); highest among the groups gnomAD compares: African/African-American, 0.015%; no homozygotes.

Submissions (4):

Revvity Omics, Revvity
Classification: Uncertain significance. Last evaluated: 2024-05-31. Review status: criteria provided, single submitter. Criteria: ACMG Guidelines, 2015. Collection method: clinical testing. Allele origin: germline.

GeneDx
Classification: Likely benign. Last evaluated: 2019-06-07. Review status: criteria provided, single submitter. Criteria: GeneDx Variant Classification Process June 2021. Collection method: clinical testing. Allele origin: germline. Affected: yes.

Labcorp Genetics (formerly Invitae), Labcorp
Classification: Uncertain significance for Dilated cardiomyopathy 1G; Autosomal recessive limb-girdle muscular dystrophy type 2J. Last evaluated: 2018-01-15. Review status: criteria provided, single submitter. Criteria: Invitae Variant Classification Sherloc (09022015). Collection method: clinical testing. Allele origin: germline.

PreventionGenetics, part of Exact Sciences
Classification: Uncertain significance for TTN-related condition. Last evaluated: 2024-04-09. Review status: no assertion criteria provided. Collection method: clinical testing. Allele origin: germline. Not counted in ClinVar's aggregate classification.
Comment: The TTN c.44848G>A variant is predicted to result in the amino acid substitution p.Asp14950Asn. To our knowledge, this variant has not been reported in the literature. This variant is reported in 0.0087% of alleles in individuals of African descent in gnomAD. At this time, the clinical significance of this variant is uncertain due to the absence of conclusive functional and genetic evidence.

NM_001267550.2(TTN):c.44848G>A (p.Asp14950Asn)

Gene: TTN (titin; minus strand). Cytogenetic location: 2q31.2.
Variant type: single nucleotide variant.
Coding change: c.44848G>A on transcript NM_001267550.2 (MANE Select); coding-DNA position 44848, G replaced by A.
Protein change: p.Asp14950Asn; replaces aspartic acid 14950 with asparagine.
Molecular consequence: missense variant.
Genome position (GRCh38, 1-based): chr2:178,622,735, C>T on the plus strand (G>A on the coding strand, the complement: TTN is on the minus strand). VCF-style: chr2-178622735-C-T. GRCh37 (hg19) VCF-style: chr2-179487462-C-T.
Other names: c.39925G>A, p.Asp13309Asn (NM_001256850.1); c.17653G>A, p.Asp5885Asn (NM_003319.4); c.37144G>A, p.Asp12382Asn (NM_133378.4); c.18028G>A, p.Asp6010Asn (NM_133432.3); c.18229G>A, p.Asp6077Asn (NM_133437.4); short protein forms D14950N, D12382N, D6010N, D5885N, D6077N, D13309N.
Identifiers: ClinVar variation 404834 (VCV000404834.10), dbSNP rs571524382, ClinGen allele CA1995551.